The following is an entry in ClinVar:

ClinVar aggregate classification (germline): Benign/Likely benign. Review status: criteria provided, multiple submitters, no conflicts (2 of 4 stars). 12 submissions from 12 submitters: Benign (10); Likely benign (1). 1 of the submissions does not count toward it. Last evaluated 2026-02-04.

Conditions:
Primary ciliary dyskinesia. Also called: Ciliary dyskinesia. Identifiers: Orphanet 244, MedGen C0008780, MONDO:0016575, HP:0012265.
Primary ciliary dyskinesia 10. Also called: CILIARY DYSKINESIA, PRIMARY, 10, WITH OR WITHOUT SITUS INVERSUS. Identifiers: Orphanet 244, MedGen C2675867, MONDO:0012918, OMIM 612518.

Allele frequency attached by ClinVar (database versions not stated): 1000 Genomes Project 0.49321; 1000 Genomes Project 30x 0.50062; ESP Exome Variant Server 0.71338; gnomAD 0.65918 and 0.64935; TOPMed 0.63311.
gnomAD v4.1: 1,115,458 of 1,560,408 alleles (71%); highest among the groups gnomAD compares: Non-Finnish European, 77%; 411,942 homozygotes.

Submissions (12):

Labcorp Genetics (formerly Invitae), Labcorp
Classification: Benign for Primary ciliary dyskinesia. Last evaluated: 2026-02-04. Review status: criteria provided, single submitter. Criteria: Invitae Variant Classification Sherloc (09022015). Collection method: clinical testing. Allele origin: germline.

Blueprint Genetics
Classification: Likely benign. Last evaluated: 2024-11-27. Review status: criteria provided, single submitter. Criteria: ACMG Guidelines, 2015. Collection method: clinical testing. Allele origin: germline.

Mayo Clinic Laboratories, Mayo Clinic
Classification: Benign. Last evaluated: 2022-04-26. Review status: criteria provided, single submitter. Criteria: ACMG Guidelines, 2015. Collection method: clinical testing. Allele origin: germline. Observed: 182 variant alleles.

GeneDx
Classification: Benign. Last evaluated: 2018-11-10. Review status: criteria provided, single submitter. Criteria: GeneDx Variant Classification Process June 2021. Collection method: clinical testing. Allele origin: germline. Affected: yes.

Illumina Laboratory Services, Illumina
Classification: Benign for Primary ciliary dyskinesia 10. Last evaluated: 2018-01-13. Review status: criteria provided, single submitter. Criteria: ICSL Variant Classification Criteria 13 December 2019. Collection method: clinical testing. Allele origin: germline.
Comment: This variant was observed in the ICSL laboratory as part of a predisposition screen in an ostensibly healthy population. It had not been previously curated by ICSL or reported in the Human Gene Mutation Database (HGMD: prior to June 1st, 2018), and was therefore a candidate for classification through an automated scoring system. Utilizing variant allele frequency, disease prevalence and penetrance estimates, and inheritance mode, an automated score was calculated to assess if this variant is too frequent to cause the disease. Based on the score and internal cut-off values, a variant classified as benign is not then subjected to further curation. The score for this variant resulted in a classification of benign for this disease.

Clinical Genetics DNA and cytogenetics Diagnostics Lab, Erasmus MC, Erasmus Medical Center
Classification: Benign for Primary ciliary dyskinesia 10. Last evaluated: 2015-09-21. Review status: criteria provided, single submitter. Criteria: ACGS Guidelines, 2013. Collection method: clinical testing. Allele origin: germline. Affected: yes. Study: VKGL Data-share Consensus.

Eurofins Ntd Llc (ga)
Classification: Benign. Last evaluated: 2015-07-22. Review status: criteria provided, single submitter. Criteria: EGL Classification Definitions 2015. Collection method: clinical testing. Allele origin: germline. Observed: 2 variant alleles, 2 heterozygotes.

Ambry Genetics
Classification: Benign for Primary ciliary dyskinesia. Last evaluated: 2014-11-26. Review status: criteria provided, single submitter. Criteria: Ambry Variant Classification Scheme 2023. Collection method: clinical testing. Allele origin: germline.

Laboratory for Molecular Medicine, Mass General Brigham Personalized Medicine
Classification: Benign. Last evaluated: 2013-02-21. Review status: criteria provided, single submitter. Criteria: LMM Criteria. Collection method: clinical testing. Allele origin: germline. Observed: 77 variant alleles.
Comment: Glu62Asp in exon 1 of DNAAF2: This variant is not expected to have clinical sign ificance because it has been identified in 42.6% (1571/3688) of African American chromosomes from a broad population by the NHLBI Exome Sequencing Project (dbSNP rs2985684).

Breakthrough Genomics
Classification: Benign. Review status: criteria provided, single submitter. Criteria: ACMG Guidelines, 2015. Collection method: not provided. Allele origin: germline. Inheritance: Autosomal recessive inheritance. Affected: yes.

PreventionGenetics, part of Exact Sciences
Classification: Benign. Review status: criteria provided, single submitter. Criteria: ACMG Guidelines, 2015. Collection method: clinical testing. Allele origin: germline.

Diagnostic Laboratory, Department of Genetics, University Medical Center Groningen
Classification: Benign for Primary ciliary dyskinesia 10. Review status: no assertion criteria provided. Collection method: clinical testing. Allele origin: germline. Affected: yes. Study: VKGL Data-share Consensus. Not counted in ClinVar's aggregate classification.

NM_018139.3(DNAAF2):c.186G>C (p.Glu62Asp)

Gene: DNAAF2 (dynein axonemal assembly factor 2; minus strand). Cytogenetic location: 14q21.3.
Variant type: single nucleotide variant.
Coding change: c.186G>C on transcript NM_018139.3 (MANE Select); coding-DNA position 186, G replaced by C.
Protein change: p.Glu62Asp; replaces glutamic acid 62 with aspartic acid.
Molecular consequence: missense variant.
Genome position (GRCh38, 1-based): chr14:49,634,964, C>G on the plus strand (G>C on the coding strand, the complement: DNAAF2 is on the minus strand). VCF-style: chr14-49634964-C-G. GRCh37 (hg19) VCF-style: chr14-50101682-C-G.
Other names: c.186G>C, p.Glu62Asp (NM_001083908.2); short protein forms E62D.
Identifiers: ClinVar variation 95893 (VCV000095893.30), dbSNP rs2985684, ClinGen allele CA149014.